The following is an entry in ClinVar:

ClinVar aggregate classification (germline): Uncertain significance. Review status: criteria provided, multiple submitters, no conflicts (2 of 4 stars). 2 submissions from 2 submitters: Uncertain significance (2). Last evaluated 2025-05-29.

Allele frequency attached by ClinVar (database versions not stated): ExAC 0.00003; gnomAD exomes 0.00003 and 0.00004; gnomAD 0.00005.
gnomAD v4.1: 57 of 1,611,782 alleles (0.0035%); highest among the groups gnomAD compares: Middle Eastern, 0.016%; no homozygotes.

Submissions (2):

Ambry Genetics
Classification: Uncertain significance. Last evaluated: 2025-05-29. Review status: criteria provided, single submitter. Criteria: Ambry Variant Classification Scheme 2023. Collection method: clinical testing. Allele origin: germline.

Labcorp Genetics (formerly Invitae), Labcorp
Classification: Uncertain significance. Last evaluated: 2025-03-27. Review status: criteria provided, single submitter. Criteria: Invitae Variant Classification Sherloc (09022015). Collection method: clinical testing. Allele origin: germline.
Comment: This sequence change replaces serine, which is neutral and polar, with leucine, which is neutral and non-polar, at codon 585 of the MCM4 protein (p.Ser585Leu). This variant is present in population databases (rs759056835, gnomAD 0.02%). This variant has not been reported in the literature in individuals affected with MCM4-related conditions. ClinVar contains an entry for this variant (Variation ID: 1486978). Invitae Evidence Modeling of protein sequence and biophysical properties (such as structural, functional, and spatial information, amino acid conservation, physicochemical variation, residue mobility, and thermodynamic stability) indicates that this missense variant is expected to disrupt MCM4 protein function with a positive predictive value of 80%. In summary, the available evidence is currently insufficient to determine the role of this variant in disease. Therefore, it has been classified as a Variant of Uncertain Significance.

NM_182746.3(MCM4):c.1754C>T (p.Ser585Leu)

Gene: MCM4 (minichromosome maintenance complex component 4; plus strand). Cytogenetic location: 8q11.21.
Variant type: single nucleotide variant.
Coding change: c.1754C>T on transcript NM_182746.3 (MANE Select); coding-DNA position 1754, C replaced by T.
Protein change: p.Ser585Leu; replaces serine 585 with leucine.
Molecular consequence: missense variant.
Genome position (GRCh38, 1-based): chr8:47,970,830, C>T. VCF-style: chr8-47970830-C-T. GRCh37 (hg19) VCF-style: chr8-48883390-C-T.
Other names: c.1754C>T, p.Ser585Leu (NM_005914.4); c.1754C>T (NM_005914.3); short protein forms S585L.
Identifiers: ClinVar variation 1486978 (VCV001486978.8), dbSNP rs759056835, ClinGen allele CA4742689.